The following is an entry in ClinVar:

ClinVar aggregate classification (germline): Uncertain significance (1 of 4 stars; one submission).

Conditions:
Hereditary cancer-predisposing syndrome. Also called: Neoplastic Syndromes, Hereditary; Hereditary Cancer Syndrome; Hereditary neoplastic syndrome; Tumor predisposition. Identifiers: Orphanet 140162, MedGen C0027672, MeSH D009386, MONDO:0015356.

Submission:

Ambry Genetics
Classification: Uncertain significance for Hereditary cancer-predisposing syndrome. Last evaluated: 2026-05-14. Review status: criteria provided, single submitter. Criteria: Ambry Variant Classification Scheme 2023. Collection method: clinical testing. Allele origin: germline.
Comment: The p.C96R variant (also known as c.286T>C), located in coding exon 3 of the FANCC gene, results from a T to C substitution at nucleotide position 286. The cysteine at codon 96 is replaced by arginine, an amino acid with highly dissimilar properties. This amino acid position is conserved. In addition, this alteration is predicted to be deleterious by in silico analysis. Based on the available evidence, the clinical significance of this variant remains unclear.

NM_000136.3(FANCC):c.286T>C (p.Cys96Arg)

Gene: FANCC (FA complementation group C; minus strand). Cytogenetic location: 9q22.32.
Variant type: single nucleotide variant.
Coding change: c.286T>C on transcript NM_000136.3 (MANE Select); coding-DNA position 286, T replaced by C.
Protein change: p.Cys96Arg; replaces cysteine 96 with arginine.
Molecular consequence: missense variant.
Genome position (GRCh38, 1-based): chr9:95,240,708, A>G on the plus strand (T>C on the coding strand, the complement: FANCC is on the minus strand). VCF-style: chr9-95240708-A-G. GRCh37 (hg19) VCF-style: chr9-98002990-A-G.
Other names: c.286T>C, p.Cys96Arg (NM_001243743.2, NM_001243744.2); short protein forms C96R.
Identifiers: ClinVar variation 4870957 (VCV004870957.1).